The following is an entry in ClinVar:

NM_001142800.2(EYS):c.7055+1G>A

Gene: EYS (EGF-like photoreceptor maintenance factor; minus strand). Cytogenetic location: 6q12.
Variant type: single nucleotide variant.
Coding change: c.7055+1G>A on transcript NM_001142800.2 (MANE Select); the canonical splice donor site of the intron after coding-DNA position 7055, G replaced by A.
Molecular consequence: splice donor variant.
Genome position (GRCh38, 1-based): chr6:63,984,382, C>T on the plus strand (G>A on the coding strand, the complement: EYS is on the minus strand). VCF-style: chr6-63984382-C-T. GRCh37 (hg19) VCF-style: chr6-64694275-C-T.
Other names: c.7055+1G>A (NM_001292009.2).
Identifiers: ClinVar variation 660256 (VCV000660256.44), dbSNP rs1582079626, ClinGen allele CA364387295.
Genomic context (GRCh38, chr6:63,984,382, plus strand): 5'-TGTTGTTTTAAGAATTTGGAGTCATGTAACGTAGGTTGGGAATCAGGAGACTAATACTGA[C>T]CTGATGCAGGTGCCATTGTTGCGGCACAGATGATGAGCACACCAAGGGACGTGGCAGTTC-3'

ClinVar aggregate classification (germline): Pathogenic/Likely pathogenic. Review status: criteria provided, multiple submitters, no conflicts (2 of 4 stars). 4 submissions from 4 submitters: Pathogenic (1); Likely pathogenic (3). Last evaluated 2025-11-06.

Conditions:
Retinitis pigmentosa 25 (RP25). Identifiers: Orphanet 791, MedGen C1864446, MONDO:0011272, OMIM 602772.
EYS-related disorder. Also called: EYS-related condition.

Allele frequency attached by ClinVar (database versions not stated): TOPMed below 0.00001.

Submissions (4):

Natera, Inc.
Classification: Likely pathogenic for Retinitis pigmentosa type 25. Last evaluated: 2025-11-06. Review status: criteria provided, single submitter. Criteria: Natera Variant Classification Schema (03/2026). Collection method: clinical testing. Allele origin: germline.
Comment: The c.7055+1G>A variant in EYS is a canonical splice donor site variant predicted to affect pre-mRNA splicing, which may result in an abnormal transcript and altered protein product. This variant is expected to result in nonsense mediated decay, truncation, or a dysfunctional protein product. This variant is rare in the general population with a frequency below the threshold expected for the associated phenotype(s). Given the available evidence, this variant is classified as Likely Pathogenic.

Blueprint Genetics
Classification: Likely pathogenic for EYS-related disorders. Last evaluated: 2023-09-29. Review status: criteria provided, single submitter. Criteria: ACMG Guidelines, 2015. Collection method: clinical testing. Allele origin: germline. Affected: yes. Observed: 1 variant allele.

Labcorp Genetics (formerly Invitae), Labcorp
Classification: Likely pathogenic. Last evaluated: 2022-08-16. Review status: criteria provided, single submitter. Criteria: Invitae Variant Classification Sherloc (09022015). Collection method: clinical testing. Allele origin: germline.
Comment: ClinVar contains an entry for this variant (Variation ID: 660256). Algorithms developed to predict the effect of sequence changes on RNA splicing suggest that this variant may disrupt the consensus splice site. This variant has not been reported in the literature in individuals affected with EYS-related conditions. This variant is not present in population databases (gnomAD no frequency). This sequence change affects a donor splice site in intron 35 of the EYS gene. It is expected to disrupt RNA splicing. Variants that disrupt the donor or acceptor splice site typically lead to a loss of protein function (PMID: 16199547), and loss-of-function variants in EYS are known to be pathogenic (PMID: 18836446, 20333770). In summary, the currently available evidence indicates that the variant is pathogenic, but additional data are needed to prove that conclusively. Therefore, this variant has been classified as Likely Pathogenic.

CeGaT Center for Human Genetics Tuebingen
Classification: Pathogenic. Last evaluated: 2021-06-01. Review status: criteria provided, single submitter. Criteria: CeGaT Center For Human Genetics Tuebingen Variant Classification Criteria Version 2. Collection method: clinical testing. Allele origin: germline. Affected: yes. Observed: 1 variant allele.

Literature cited by the submitters: PubMed 16199547 (cited by Labcorp Genetics (formerly Invitae), Labcorp); PubMed 18836446 (cited by Labcorp Genetics (formerly Invitae), Labcorp); PubMed 20333770 (cited by Labcorp Genetics (formerly Invitae), Labcorp).